The following is an entry in ClinVar:

ClinVar aggregate classification (germline): Conflicting classifications of pathogenicity. Review status: criteria provided, conflicting classifications (1 of 4 stars). 3 submissions from 3 submitters: Uncertain significance (1); Likely benign (1). 1 of the submissions does not count toward it. Last evaluated 2024-02-06.

Conditions:
Hereditary cancer-predisposing syndrome. Also called: Neoplastic Syndromes, Hereditary; Tumor predisposition; Hereditary neoplastic syndrome; Hereditary Cancer Syndrome. Identifiers: Orphanet 140162, MedGen C0027672, MeSH D009386, MONDO:0015356.
Microcephaly, normal intelligence and immunodeficiency (NBS). Also called: Ataxia telangiectasia variant V1; Nijmegen breakage syndrome; Microcephaly with normal intelligence immunodeficiency and lymphoreticular malignancies; Nonsyndromal microcephaly autosomal recessive with normal intelligence; Seemanova syndrome 2; IMMUNODEFICIENCY, MICROCEPHALY, AND CHROMOSOMAL INSTABILITY. Identifiers: Orphanet 647, MedGen C0398791, MONDO:0009623, OMIM 251260.

Allele frequency attached by ClinVar (database versions not stated): gnomAD exomes below 0.00001; TOPMed below 0.00001.

Submissions (3):

Ambry Genetics
Classification: Likely benign for Hereditary cancer-predisposing syndrome. Last evaluated: 2024-02-06. Review status: criteria provided, single submitter. Criteria: Ambry Variant Classification Scheme 2023. Collection method: clinical testing. Allele origin: germline.

Labcorp Genetics (formerly Invitae), Labcorp
Classification: Uncertain significance for Microcephaly, normal intelligence and immunodeficiency. Last evaluated: 2022-08-09. Review status: criteria provided, single submitter. Criteria: Invitae Variant Classification Sherloc (09022015). Collection method: clinical testing. Allele origin: germline.
Comment: This sequence change replaces valine, which is neutral and non-polar, with isoleucine, which is neutral and non-polar, at codon 580 of the NBN protein (p.Val580Ile). This variant is not present in population databases (gnomAD no frequency). This variant has not been reported in the literature in individuals affected with NBN-related conditions. ClinVar contains an entry for this variant (Variation ID: 239187). Algorithms developed to predict the effect of missense changes on protein structure and function (SIFT, PolyPhen-2, Align-GVGD) all suggest that this variant is likely to be tolerated. In summary, the available evidence is currently insufficient to determine the role of this variant in disease. Therefore, it has been classified as a Variant of Uncertain Significance.

Natera, Inc.
Classification: Uncertain significance for Nijmegen breakage syndrome. Last evaluated: 2021-03-24. Review status: no assertion criteria provided. Collection method: clinical testing. Allele origin: germline. Not counted in ClinVar's aggregate classification.

NM_002485.5(NBN):c.1738G>A (p.Val580Ile)

Gene: NBN (nibrin; minus strand). Cytogenetic location: 8q21.3.
Variant type: single nucleotide variant.
Coding change: c.1738G>A on transcript NM_002485.5 (MANE Select); coding-DNA position 1738, G replaced by A.
Protein change: p.Val580Ile; replaces valine 580 with isoleucine.
Molecular consequence: missense variant.
Genome position (GRCh38, 1-based): chr8:89,953,351, C>T on the plus strand (G>A on the coding strand, the complement: NBN is on the minus strand). VCF-style: chr8-89953351-C-T. GRCh37 (hg19) VCF-style: chr8-90965579-C-T.
Other names: c.1492G>A, p.Val498Ile (NM_001024688.3); short protein forms V580I, V498I.
Identifiers: ClinVar variation 239187 (VCV000239187.11), dbSNP rs878854506, ClinGen allele CA10582596.